The following is an entry in ClinVar:

NM_005591.4(MRE11):c.1099-6T>A

Gene: MRE11 (MRE11 double strand break repair nuclease; minus strand). Cytogenetic location: 11q21.
Variant type: single nucleotide variant.
Coding change: c.1099-6T>A on transcript NM_005591.4 (MANE Select); 6 bases into the intron before coding-DNA position 1099, T replaced by A.
Molecular consequence: intron variant.
Genome position (GRCh38, 1-based): chr11:94,464,245, A>T on the plus strand (T>A on the coding strand, the complement: MRE11 is on the minus strand). VCF-style: chr11-94464245-A-T. GRCh37 (hg19) VCF-style: chr11-94197411-A-T.
Other names: c.1099-6T>A (NM_001330347.2, NM_005590.4).
Identifiers: ClinVar variation 847509 (VCV000847509.10), dbSNP rs200457020, ClinGen allele CA226530251.

ClinVar aggregate classification (germline): Uncertain significance (1 of 4 stars; one submission).

Conditions:
Ataxia-telangiectasia-like disorder (ATLD). Identifiers: MedGen C1858391, MONDO:0011457.

Allele frequency attached by ClinVar (database versions not stated): gnomAD exomes below 0.00001 and 0.00001; gnomAD 0.00001; 1000 Genomes Project 30x 0.00016; 1000 Genomes Project 0.00020.
gnomAD v4.1: 3 of 1,613,868 alleles (0.00019%); highest among the groups gnomAD compares: East Asian, 0.0067%; no homozygotes.

Submission:

Labcorp Genetics (formerly Invitae), Labcorp
Classification: Uncertain significance for Ataxia-telangiectasia-like disorder. Last evaluated: 2019-10-02. Review status: criteria provided, single submitter. Criteria: Invitae Variant Classification Sherloc (09022015). Collection method: clinical testing. Allele origin: germline.
Comment: This variant is not present in population databases (ExAC no frequency). This sequence change falls in intron 10 of the MRE11 gene. It does not directly change the encoded amino acid sequence of the MRE11 protein. In summary, the available evidence is currently insufficient to determine the role of this variant in disease. Therefore, it has been classified as a Variant of Uncertain Significance. Algorithms developed to predict the effect of sequence changes on RNA splicing suggest that this variant may disrupt the consensus splice site, but this prediction has not been confirmed by published transcriptional studies. This variant has not been reported in the literature in individuals with MRE11-related conditions.